The following is an entry in ClinVar:

ClinVar aggregate classification (germline): Uncertain significance (1 of 4 stars; one submission).

Conditions:
Fanconi anemia (FA). Also called: Fanconi's anemia. Identifiers: Orphanet 84, MedGen C0015625, MeSH D005199, MONDO:0019391.

Allele frequency attached by ClinVar (database versions not stated): gnomAD exomes 0.00001.

Submission:

Labcorp Genetics (formerly Invitae), Labcorp
Classification: Uncertain significance for Fanconi anemia. Last evaluated: 2022-04-11. Review status: criteria provided, single submitter. Criteria: Invitae Variant Classification Sherloc (09022015). Collection method: clinical testing. Allele origin: germline.
Comment: This sequence change replaces valine, which is neutral and non-polar, with isoleucine, which is neutral and non-polar, at codon 383 of the FANCI protein (p.Val383Ile). This variant is present in population databases (no rsID available, gnomAD 0.0009%). This variant has not been reported in the literature in individuals affected with FANCI-related conditions. Algorithms developed to predict the effect of missense changes on protein structure and function output the following: SIFT: "Tolerated"; PolyPhen-2: "Benign"; Align-GVGD: "Class C0". The isoleucine amino acid residue is found in multiple mammalian species, which suggests that this missense change does not adversely affect protein function. In summary, the available evidence is currently insufficient to determine the role of this variant in disease. Therefore, it has been classified as a Variant of Uncertain Significance.

NM_001113378.2(FANCI):c.1147G>A (p.Val383Ile)

Gene: FANCI (FA complementation group I; plus strand). Cytogenetic location: 15q26.1.
Variant type: single nucleotide variant.
Coding change: c.1147G>A on transcript NM_001113378.2 (MANE Select); coding-DNA position 1147, G replaced by A.
Protein change: p.Val383Ile; replaces valine 383 with isoleucine.
Molecular consequence: missense variant.
Genome position (GRCh38, 1-based): chr15:89,276,745, G>A. VCF-style: chr15-89276745-G-A. GRCh37 (hg19) VCF-style: chr15-89819976-G-A.
Other names: c.868G>A, p.Val290Ile (NM_001376910.1); c.1147G>A, p.Val383Ile (NM_001376911.1, NM_018193.3); short protein forms V290I, V383I.
Identifiers: ClinVar variation 2055364 (VCV002055364.1), dbSNP rs1172606841, ClinGen allele CA393742016.